The following is an entry in ClinVar:

NM_006545.5(NPRL2):c.857G>A (p.Cys286Tyr)

Gene: NPRL2 (NPR2 like, GATOR1 complex subunit; minus strand). Cytogenetic location: 3p21.31.
Variant type: single nucleotide variant.
Coding change: c.857G>A on transcript NM_006545.5 (MANE Select); coding-DNA position 857, G replaced by A.
Protein change: p.Cys286Tyr; replaces cysteine 286 with tyrosine.
Molecular consequence: missense variant.
Genome position (GRCh38, 1-based): chr3:50,348,199, C>T on the plus strand (G>A on the coding strand, the complement: NPRL2 is on the minus strand). VCF-style: chr3-50348199-C-T. GRCh37 (hg19) VCF-style: chr3-50385630-C-T.
Other names: short protein forms C286Y.
Identifiers: ClinVar variation 3600634 (VCV003600634.1).

ClinVar aggregate classification (germline): Uncertain significance (1 of 4 stars; one submission).

Submission:

GeneDx
Classification: Uncertain significance. Last evaluated: 2024-07-24. Review status: criteria provided, single submitter. Criteria: GeneDx Variant Classification Process June 2021. Collection method: clinical testing. Allele origin: germline. Affected: yes.
Comment: Not observed at significant frequency in large population cohorts (gnomAD); In silico analysis supports that this missense variant has a deleterious effect on protein structure/function; Has not been previously published as pathogenic or benign to our knowledge